The following is an entry in ClinVar:

ClinVar aggregate classification (germline): Pathogenic/Likely pathogenic. Review status: criteria provided, multiple submitters, no conflicts (2 of 4 stars). 2 submissions from 2 submitters: Pathogenic (1); Likely pathogenic (1). Last evaluated 2023-11-21.

Conditions:
Methylmalonic acidemia (MMA). Also called: Isolated Methylmalonic Acidemia. Identifiers: MedGen C0268583, MeSH C537358, MONDO:0002012, HP:0002912.

Allele frequency attached by ClinVar (database versions not stated): gnomAD exomes below 0.00001.
gnomAD v4.1: 3 of 1,613,252 alleles (0.00019%); highest among the groups gnomAD compares: South Asian, 0.0011%; no homozygotes.

Submissions (2):

Labcorp Genetics (formerly Invitae), Labcorp
Classification: Likely pathogenic. Last evaluated: 2023-11-21. Review status: criteria provided, single submitter. Criteria: Invitae Variant Classification Sherloc (09022015). Collection method: clinical testing. Allele origin: germline.
Comment: This sequence change replaces serine, which is neutral and polar, with proline, which is neutral and non-polar, at codon 288 of the MUT protein (p.Ser288Pro). This variant is present in population databases (no rsID available, gnomAD 0.003%). This missense change has been observed in individual(s) with methylmalonic aciduria (PMID: 17113806, 27167370, 30080956, 36717752). ClinVar contains an entry for this variant (Variation ID: 1696114). Advanced modeling of protein sequence and biophysical properties (such as structural, functional, and spatial information, amino acid conservation, physicochemical variation, residue mobility, and thermodynamic stability) performed at Invitae indicates that this missense variant is not expected to disrupt MUT protein function with a negative predictive value of 95%. In summary, the currently available evidence indicates that the variant is pathogenic, but additional data are needed to prove that conclusively. Therefore, this variant has been classified as Likely Pathogenic.

Women's Health and Genetics/Laboratory Corporation of America, LabCorp
Classification: Pathogenic for Methylmalonic acidemia. Last evaluated: 2022-05-04. Review status: criteria provided, single submitter. Criteria: LabCorp Variant Classification Summary - May 2015. Collection method: clinical testing. Allele origin: germline.
Comment: Variant summary: MUT c.862T>C (p.Ser288Pro) results in a non-conservative amino acid change located in the Methylmalonyl-CoA mutase, alpha chain, catalytic domain (IPR006098) of the encoded protein sequence. Three of five in-silico tools predict a damaging effect of the variant on protein function. The variant allele was found at a frequency of 4e-06 in 251364 control chromosomes (gnomAD). c.862T>C has been reported in the literature in multiple individuals affected with Methylmalonic Acidemia (Lempp_2007, Ruppert_2015, Forny_2016, Critelli_2018). These data indicate that the variant is very likely to be associated with disease. At least one publication reports experimental evidence evaluating an impact on protein function. The most pronounced variant effect results in <10% of normal enzyme activity in homozygous individuals (Lempp_2007, Forny_2016). No clinical diagnostic laboratories have submitted clinical-significance assessments for this variant to ClinVar after 2014. Based on the evidence outlined above, the variant was classified as pathogenic.

Literature cited by the submitters: PubMed 17113806 (cited by Labcorp Genetics (formerly Invitae), Labcorp and Women's Health and Genetics/Laboratory Corporation of America, LabCorp); PubMed 27167370 (cited by Labcorp Genetics (formerly Invitae), Labcorp and Women's Health and Genetics/Laboratory Corporation of America, LabCorp); PubMed 30080956 (cited by Labcorp Genetics (formerly Invitae), Labcorp and Women's Health and Genetics/Laboratory Corporation of America, LabCorp); PubMed 36717752 (cited by Labcorp Genetics (formerly Invitae), Labcorp); PubMed 26420839 (cited by Women's Health and Genetics/Laboratory Corporation of America, LabCorp).

NM_000255.4(MMUT):c.862T>C (p.Ser288Pro)

Gene: MMUT (methylmalonyl-CoA mutase; minus strand). Cytogenetic location: 6p12.3.
Variant type: single nucleotide variant.
Coding change: c.862T>C on transcript NM_000255.4 (MANE Select); coding-DNA position 862, T replaced by C.
Protein change: p.Ser288Pro; replaces serine 288 with proline.
Molecular consequence: missense variant.
Genome position (GRCh38, 1-based): chr6:49,456,129, A>G on the plus strand (T>C on the coding strand, the complement: MMUT is on the minus strand). VCF-style: chr6-49456129-A-G. GRCh37 (hg19) VCF-style: chr6-49423842-A-G.
Other names: short protein forms S288P.
Identifiers: ClinVar variation 1696114 (VCV001696114.6), dbSNP rs1179778233, ClinGen allele CA364402094.